The following is an entry in ClinVar:

ClinVar aggregate classification (germline): Pathogenic/Likely pathogenic. Review status: criteria provided, multiple submitters, no conflicts (2 of 4 stars). 2 submissions from 2 submitters: Pathogenic (1); Likely pathogenic (1). Last evaluated 2025-09-20.

Conditions:
Oguchi disease. Also called: Oguchi's disease. Identifiers: Orphanet 75382, MedGen C1306122, MONDO:0019152.

Submissions (2):

Dasa
Classification: Likely pathogenic. Last evaluated: 2025-09-20. Review status: criteria provided, single submitter. Criteria: DASA Assertion Criteria. Collection method: clinical testing. Allele origin: germline.
Comment: NM_000541.5(SAG):c.571C>T (p.Gln191*) is a nonsense variant in SAG predicted to introduce a premature termination codon and is predicted to result in an absent or altered protein product. Loss of function is an established disease mechanism for SAG-associated disorders. Also, this variant is absent from population databases. Based on the currently available evidence, this variant is classified as likely pathogenic.

Mendelics
Classification: Pathogenic for Oguchi disease-1. Last evaluated: 2019-05-28. Review status: criteria provided, single submitter. Criteria: Mendelics Assertion Criteria 2017. Collection method: clinical testing. Allele origin: unknown.

NM_000541.5(SAG):c.571C>T (p.Gln191Ter)

Gene: SAG (S-antigen visual arrestin; plus strand). Cytogenetic location: 2q37.1.
Variant type: single nucleotide variant.
Coding change: c.571C>T on transcript NM_000541.5 (MANE Select); coding-DNA position 571, C replaced by T.
Protein change: p.Gln191Ter; replaces glutamine 191 with a stop codon.
Molecular consequence: nonsense.
Genome position (GRCh38, 1-based): chr2:233,328,536, C>T. VCF-style: chr2-233328536-C-T. GRCh37 (hg19) VCF-style: chr2-234237182-C-T.
Other names: short protein forms Q191*.
Identifiers: ClinVar variation 801912 (VCV000801912.3), dbSNP rs1574942567, ClinGen allele CA351047473.
Genomic context (GRCh38, chr2:233,328,536, plus strand): 5'-AGGAGCTCCGTGCGATTACTGATCCGCAAAGTACAGCATGCCCCACTTGAGATGGGTCCC[C>T]AGCCCCGAGCTGAGGCGGCCTGGCAGTTCTTCATGTCTGACAAGCCCCTGCACCTTGCGG-3'